The following is an entry in ClinVar:

ClinVar aggregate classification (germline): Uncertain significance. Review status: criteria provided, multiple submitters, no conflicts (2 of 4 stars). 2 submissions from 2 submitters: Uncertain significance (2). Last evaluated 2025-11-27.

Conditions:
Aortic aneurysm, familial thoracic 7 (AAT7). Also called: AORTIC DISSECTION, FAMILIAL, WITH OR WITHOUT AORTIC ANEURYSM. Identifiers: MedGen C3151077, MONDO:0013418, OMIM 613780.

Allele frequency attached by ClinVar (database versions not stated): ExAC 0.00001; TOPMed 0.00002; gnomAD exomes 0.00003; gnomAD 0.00004.
gnomAD v4.1: 44 of 1,613,832 alleles (0.0027%); highest among the groups gnomAD compares: Non-Finnish European, 0.0036%; no homozygotes.

Submissions (2):

Labcorp Genetics (formerly Invitae), Labcorp
Classification: Uncertain significance for Aortic aneurysm, familial thoracic 7. Last evaluated: 2025-11-27. Review status: criteria provided, single submitter. Criteria: Invitae Variant Classification Sherloc (09022015). Collection method: clinical testing. Allele origin: germline.
Comment: This sequence change replaces lysine, which is basic and polar, with arginine, which is basic and polar, at codon 1101 of the MYLK protein (p.Lys1101Arg). This variant is present in population databases (rs758217067, gnomAD 0.002%). This missense change has been observed in individual(s) with abdominal aortic aneurysm (PMID: 26017485). ClinVar contains an entry for this variant (Variation ID: 2709280). Invitae Evidence Modeling of protein sequence and biophysical properties (such as structural, functional, and spatial information, amino acid conservation, physicochemical variation, residue mobility, and thermodynamic stability) indicates that this missense variant is not expected to disrupt MYLK protein function with a negative predictive value of 80%. In summary, the available evidence is currently insufficient to determine the role of this variant in disease. Therefore, it has been classified as a Variant of Uncertain Significance.

GeneDx
Classification: Uncertain significance. Last evaluated: 2024-06-24. Review status: criteria provided, single submitter. Criteria: GeneDx Variant Classification Process June 2021. Collection method: clinical testing. Allele origin: germline. Affected: yes.
Comment: Has been reported in a family with abdominal aortic aneurysms; however, the authors suggest this variant is likely benign (PMID: 26017485); Not observed at significant frequency in large population cohorts (gnomAD); In silico analysis indicates that this missense variant does not alter protein structure/function; This variant is associated with the following publications: (PMID: 26017485)

Literature cited by the submitters: PubMed 26017485 (cited by Labcorp Genetics (formerly Invitae), Labcorp).

NM_053025.4(MYLK):c.3302A>G (p.Lys1101Arg)

Gene: MYLK (myosin light chain kinase; minus strand). Cytogenetic location: 3q21.1.
Variant type: single nucleotide variant.
Coding change: c.3302A>G on transcript NM_053025.4 (MANE Select); coding-DNA position 3302, A replaced by G.
Protein change: p.Lys1101Arg; replaces lysine 1101 with arginine.
Molecular consequence: missense variant.
Genome position (GRCh38, 1-based): chr3:123,700,166, T>C on the plus strand (A>G on the coding strand, the complement: MYLK is on the minus strand). VCF-style: chr3-123700166-T-C. GRCh37 (hg19) VCF-style: chr3-123419013-T-C.
Other names: c.2774A>G, p.Lys925Arg (NM_001321309.2); c.3095A>G, p.Lys1032Arg (NM_053026.4, NM_053028.4); c.3302A>G, p.Lys1101Arg (NM_053027.4); c.3302A>G (NM_053025.3); short protein forms K925R, K1032R, K1101R.
Identifiers: ClinVar variation 2709280 (VCV002709280.4), dbSNP rs758217067, ClinGen allele CA069549.
Genomic context (GRCh38, chr3:123,700,166, plus strand): 5'-ACCTGGCACTGGAGCAGCAGCTTCTTGCCCTCTGCCACATGAACATCTTGCAGCTTCTGC[T>C]TGAAGGCTGGGGCTGTCCCCTGGCTCTCTGATCTCTTTTCATTATCTGTGGTCCCTGCAT-3'
Protein context (NP_444253.3, residues 1091-1111): SESQGTAPAF[Lys1101Arg]QKLQDVHVAE